The following is an entry in ClinVar:

NM_000742.4(CHRNA2):c.1156C>T (p.Pro386Ser)

Gene: CHRNA2 (cholinergic receptor nicotinic alpha 2 subunit; minus strand). Cytogenetic location: 8p21.2.
Variant type: single nucleotide variant.
Coding change: c.1156C>T on transcript NM_000742.4 (MANE Select); coding-DNA position 1156, C replaced by T.
Protein change: p.Pro386Ser; replaces proline 386 with serine.
Molecular consequence: missense variant.
Genome position (GRCh38, 1-based): chr8:27,463,287, G>A on the plus strand (C>T on the coding strand, the complement: CHRNA2 is on the minus strand). VCF-style: chr8-27463287-G-A. GRCh37 (hg19) VCF-style: chr8-27320804-G-A.
Other names: c.1111C>T, p.Pro371Ser (NM_001282455.2); c.679C>T, p.Pro227Ser (NM_001347705.2, NM_001347706.2); c.562C>T, p.Pro188Ser (NM_001347707.2, NM_001347708.2); short protein forms P227S, P386S, P188S, P371S.
Identifiers: ClinVar variation 1509670 (VCV001509670.6), dbSNP rs2132651430, ClinGen allele CA370809332.

ClinVar aggregate classification (germline): Uncertain significance (1 of 4 stars; one submission).

Conditions:
Familial sleep-related hypermotor epilepsy. Also called: Autosomal Dominant Sleep-Related Hypermotor (Hyperkinetic) Epilepsy. Identifiers: Orphanet 98784, MedGen C3696898, MONDO:0000030.

Submission:

Labcorp Genetics (formerly Invitae), Labcorp
Classification: Uncertain significance. Last evaluated: 2022-01-14. Review status: criteria provided, single submitter. Criteria: Invitae Variant Classification Sherloc (09022015). Collection method: clinical testing. Allele origin: germline.
Comment: This variant is not present in population databases (gnomAD no frequency). This variant has not been reported in the literature in individuals affected with CHRNA2-related conditions. This sequence change replaces proline, which is neutral and non-polar, with serine, which is neutral and polar, at codon 386 of the CHRNA2 protein (p.Pro386Ser). Advanced modeling of protein sequence and biophysical properties (such as structural, functional, and spatial information, amino acid conservation, physicochemical variation, residue mobility, and thermodynamic stability) performed at Invitae indicates that this missense variant is not expected to disrupt CHRNA2 protein function. In summary, the available evidence is currently insufficient to determine the role of this variant in disease. Therefore, it has been classified as a Variant of Uncertain Significance.